The following is an entry in ClinVar:

ClinVar aggregate classification (germline): Uncertain significance (1 of 4 stars; one submission).

Submission:

Labcorp Genetics (formerly Invitae), Labcorp
Classification: Uncertain significance. Last evaluated: 2024-06-13. Review status: criteria provided, single submitter. Criteria: Invitae Variant Classification Sherloc (09022015). Collection method: clinical testing. Allele origin: germline.
Comment: This sequence change replaces serine, which is neutral and polar, with proline, which is neutral and non-polar, at codon 1495 of the TOP2B protein (p.Ser1495Pro). This variant is not present in population databases (gnomAD no frequency). This variant has not been reported in the literature in individuals affected with TOP2B-related conditions. Algorithms developed to predict the effect of missense changes on protein structure and function output the following: SIFT: "Not Available"; PolyPhen-2: "Benign"; Align-GVGD: "Not Available". The proline amino acid residue is found in multiple mammalian species, which suggests that this missense change does not adversely affect protein function. In summary, the available evidence is currently insufficient to determine the role of this variant in disease. Therefore, it has been classified as a Variant of Uncertain Significance.

NM_001330700.2(TOP2B):c.4498T>C (p.Ser1500Pro)

Gene: TOP2B (DNA topoisomerase II beta; minus strand). Cytogenetic location: 3p24.2.
Variant type: single nucleotide variant.
Coding change: c.4498T>C on transcript NM_001330700.2 (MANE Select); coding-DNA position 4498, T replaced by C.
Protein change: p.Ser1500Pro; replaces serine 1500 with proline.
Molecular consequence: missense variant.
Genome position (GRCh38, 1-based): chr3:25,601,217, A>G on the plus strand (T>C on the coding strand, the complement: TOP2B is on the minus strand). VCF-style: chr3-25601217-A-G. GRCh37 (hg19) VCF-style: chr3-25642708-A-G.
Other names: c.4483T>C, p.Ser1495Pro (NM_001068.3); short protein forms S1495P, S1500P.
Identifiers: ClinVar variation 3678729 (VCV003678729.2).
Genomic context (GRCh38, chr3:25,601,217, plus strand): 5'-CAGCCTCTACTACTTTCTTCTGTTTTGGGGCTCTCTTGGGCTTAGGGACTGTATCTGAAG[A>G]CGGTTTTCCTAGTAAGCAAATTTCCATTTCACAGGTCAATATACTTACCAACAAACCAAA-3'
Protein context (NP_001317629.1, residues 1490-1510): KTVAAKKGKP[Ser1500Pro]SDTVPKPKRA